The following is an entry in ClinVar:

ClinVar aggregate classification (germline): Likely benign. Review status: criteria provided, multiple submitters, no conflicts (2 of 4 stars). 2 submissions from 2 submitters: Likely benign (2). Last evaluated 2024-10-22.

Allele frequency attached by ClinVar (database versions not stated): gnomAD exomes below 0.00001; ExAC 0.00001.
gnomAD v4.1: 2 of 1,611,538 alleles (0.00012%); highest among the groups gnomAD compares: Non-Finnish European, 0.00017%; no homozygotes.

Submissions (2):

Labcorp Genetics (formerly Invitae), Labcorp
Classification: Likely benign. Last evaluated: 2024-10-22. Review status: criteria provided, single submitter. Criteria: Invitae Variant Classification Sherloc (09022015). Collection method: clinical testing. Allele origin: germline.

CeGaT Center for Human Genetics Tuebingen
Classification: Likely benign. Last evaluated: 2023-11-01. Review status: criteria provided, single submitter. Criteria: CeGaT Center For Human Genetics Tuebingen Variant Classification Criteria Version 2. Collection method: clinical testing. Allele origin: germline. Affected: yes. Observed: 1 variant allele.
Comment: CUL3: BP4, BP7

NM_003590.5(CUL3):c.1155T>C (p.Pro385=)

Gene: CUL3 (cullin 3; minus strand). Cytogenetic location: 2q36.2.
Variant type: single nucleotide variant.
Coding change: c.1155T>C on transcript NM_003590.5 (MANE Select); coding-DNA position 1155, T replaced by C.
Protein change: p.Pro385=; no amino-acid change (proline 385 retained).
Molecular consequence: synonymous variant.
Genome position (GRCh38, 1-based): chr2:224,506,007, A>G on the plus strand (T>C on the coding strand, the complement: CUL3 is on the minus strand). VCF-style: chr2-224506007-A-G. GRCh37 (hg19) VCF-style: chr2-225370724-A-G.
Other names: c.957T>C, p.Pro319= (NM_001257197.2); c.1173T>C, p.Pro391= (NM_001257198.2).
Identifiers: ClinVar variation 2672863 (VCV002672863.26), dbSNP rs764581410, ClinGen allele CA2140035.
Genomic context (GRCh38, chr2:224,506,007, plus strand): 5'-ACTACTTACCCCTTTGACTCCCTTTTTCAGCTTATCATCAATAAATAATGAGAGGTATTC[A>G]GGAGACCTGGAGTTGAGGTTGAGAAAATACTCAAAGTCACCCGCAATAGTTTGTTTAAAG-3'
Protein context (NP_003581.1, residues 375-395): EYFLNLNSRS[Pro385=]EYLSLFIDDK